The following is an entry in ClinVar:

ClinVar aggregate classification (germline): Likely benign. Review status: criteria provided, single submitter (1 of 4 stars). 2 submissions from 2 submitters: Likely benign (1). 1 of the submissions does not count toward it. Last evaluated 2020-07-07.

Conditions:
PKHD1-related disorder. Also called: PKHD1-related condition.
Autosomal recessive polycystic kidney disease (ARPKD). Also called: AR polycystic kidney disease. Identifiers: Orphanet 731, Orphanet 8378, MedGen C0085548, MeSH D017044, MONDO:0009889.

Submissions (2):

Labcorp Genetics (formerly Invitae), Labcorp
Classification: Likely benign for Autosomal recessive polycystic kidney disease. Last evaluated: 2020-07-07. Review status: criteria provided, single submitter. Criteria: Invitae Variant Classification Sherloc (09022015). Collection method: clinical testing. Allele origin: germline.

PreventionGenetics, part of Exact Sciences
Classification: Likely benign for PKHD1-related condition. Last evaluated: 2022-04-09. Review status: no assertion criteria provided. Collection method: clinical testing. Allele origin: germline. Not counted in ClinVar's aggregate classification.
Comment: This variant is classified as likely benign based on ACMG/AMP sequence variant interpretation guidelines (Richards et al. 2015 PMID: 25741868, with internal and published modifications).

NM_138694.4(PKHD1):c.2821+9T>C

Gene: PKHD1 (PKHD1 ciliary IPT domain containing fibrocystin/polyductin; minus strand). Cytogenetic location: 6p12.2.
Variant type: single nucleotide variant.
Coding change: c.2821+9T>C on transcript NM_138694.4 (MANE Select); 9 bases into the intron after coding-DNA position 2821, T replaced by C.
Molecular consequence: intron variant.
Genome position (GRCh38, 1-based): chr6:52,043,616, A>G on the plus strand (T>C on the coding strand, the complement: PKHD1 is on the minus strand). VCF-style: chr6-52043616-A-G. GRCh37 (hg19) VCF-style: chr6-51908414-A-G.
Other names: c.2821+9T>C (NM_170724.3).
Identifiers: ClinVar variation 798730 (VCV000798730.10), dbSNP rs1581914451, ClinGen allele CA915944286.
Genomic context (GRCh38, chr6:52,043,616, plus strand): 5'-ATGGCCTCTAACAAAATCACTGCAAGTCTCCGGCTTAAGCCCATCTCAGAGCCAAGTGAC[A>G]AATCATACCAATGGAGTACCACACAGAATGGACACAGGGAGTTGACCCTTGGAGGTACTG-3'